The following is an entry in ClinVar:

NM_014946.4(SPAST):c.426G>C (p.Lys142Asn)

Gene: SPAST (spastin; plus strand). Cytogenetic location: 2p22.3.
Variant type: single nucleotide variant.
Coding change: c.426G>C on transcript NM_014946.4 (MANE Select); coding-DNA position 426, G replaced by C.
Protein change: p.Lys142Asn; replaces lysine 142 with asparagine.
Molecular consequence: missense variant.
Genome position (GRCh38, 1-based): chr2:32,087,502, G>C. VCF-style: chr2-32087502-G-C. GRCh37 (hg19) VCF-style: chr2-32312571-G-C.
Other names: c.423G>C, p.Lys141Asn (NM_001363823.2, NM_001363875.2); c.426G>C, p.Lys142Asn (NM_001377959.1, NM_199436.2); short protein forms K141N, K142N.
Identifiers: ClinVar variation 3633897 (VCV003633897.2).

ClinVar aggregate classification (germline): Uncertain significance (1 of 4 stars; one submission).

Conditions:
Hereditary spastic paraplegia 4. Also called: Spastic paraplegia 4, autosomal dominant; Spastic Paraplegia 4; Familial spastic paraplegia autosomal dominant 2. Identifiers: Orphanet 100985, MedGen C1866855, MONDO:0008438, OMIM 182601.

Submission:

Labcorp Genetics (formerly Invitae), Labcorp
Classification: Uncertain significance for Hereditary spastic paraplegia 4. Last evaluated: 2025-02-01. Review status: criteria provided, single submitter. Criteria: Invitae Variant Classification Sherloc (09022015). Collection method: clinical testing. Allele origin: germline.
Comment: This sequence change replaces lysine, which is basic and polar, with asparagine, which is neutral and polar, at codon 142 of the SPAST protein (p.Lys142Asn). This variant is not present in population databases (gnomAD no frequency). This variant has not been reported in the literature in individuals affected with SPAST-related conditions. Invitae Evidence Modeling of protein sequence and biophysical properties (such as structural, functional, and spatial information, amino acid conservation, physicochemical variation, residue mobility, and thermodynamic stability) has been performed for this missense variant. However, the output from this modeling did not meet the statistical confidence thresholds required to predict the impact of this variant on SPAST protein function. In summary, the available evidence is currently insufficient to determine the role of this variant in disease. Therefore, it has been classified as a Variant of Uncertain Significance.